The following is an entry in ClinVar:

NM_152328.5(ADSS1):c.746_755del (p.Lys249fs)

Gene: ADSS1 (adenylosuccinate synthase 1; plus strand). Cytogenetic location: 14q32.33.
Variant type: Deletion.
Coding change: c.746_755del on transcript NM_152328.5 (MANE Select); coding-DNA positions 746 to 755, 10 bases deleted (AGATCCTGGT; older notation c.746_755delAGATCCTGGT).
Protein change: p.Lys249fs; shifts the reading frame from lysine 249.
Molecular consequence: frameshift variant.
Genome position (GRCh38, 1-based): chr14:104,741,196-104,741,205, AGATCCTGGT deleted. VCF-style (leftmost placement, unchanged base first): chr14-104741195-AAGATCCTGGT-A. GRCh37 (hg19) VCF-style: chr14-105207532-AAGATCCTGGT-A.
Other names: c.131_140del, p.Lys44fs (NM_001320424.1); c.875_884del, p.Lys292fs (NM_199165.2); short protein forms K249fs, K292fs, K44fs.
Identifiers: ClinVar variation 1681965 (VCV001681965.7), dbSNP rs1566800987, ClinGen allele CA488457357.

ClinVar aggregate classification (germline): Pathogenic/Likely pathogenic. Review status: criteria provided, multiple submitters, no conflicts (2 of 4 stars). 2 submissions from 2 submitters: Pathogenic (1); Likely pathogenic (1). Last evaluated 2023-01-12.

Conditions:
Myopathy, distal, 5 (MPD5). Also called: Adenylosuccinate synthetase-like 1-related distal myopathy. Identifiers: Orphanet 482601, MedGen C5567521, MONDO:0014877, OMIM 617030.

Allele frequency attached by ClinVar (database versions not stated): gnomAD exomes below 0.00001; TOPMed below 0.00001; gnomAD 0.00001.

Submissions (2):

Department of Pathology and Laboratory Medicine, Sinai Health System
Classification: Likely pathogenic for Myopathy, distal, 5. Last evaluated: 2023-01-12. Review status: criteria provided, single submitter. Criteria: ACMG Guidelines, 2015. Collection method: research. Allele origin: germline.

Labcorp Genetics (formerly Invitae), Labcorp
Classification: Pathogenic. Last evaluated: 2022-07-12. Review status: criteria provided, single submitter. Criteria: Invitae Variant Classification Sherloc (09022015). Collection method: clinical testing. Allele origin: germline.
Comment: This sequence change creates a premature translational stop signal (p.Lys292Argfs*19) in the ADSSL1 gene. It is expected to result in an absent or disrupted protein product. Loss-of-function variants in ADSSL1 are known to be pathogenic (PMID: 26506222). This variant is not present in population databases (gnomAD no frequency). This variant has not been reported in the literature in individuals affected with ADSSL1-related conditions. ClinVar contains an entry for this variant (Variation ID: 1681965). For these reasons, this variant has been classified as Pathogenic.

Literature cited by the submitters: PubMed 26506222 (cited by Labcorp Genetics (formerly Invitae), Labcorp).